The following is an entry in ClinVar:

ClinVar aggregate classification (germline): Uncertain significance (1 of 4 stars; one submission).

Submission:

GeneDx
Classification: Uncertain significance. Last evaluated: 2022-01-14. Review status: criteria provided, single submitter. Criteria: GeneDx Variant Classification Process June 2021. Collection method: clinical testing. Allele origin: germline. Affected: yes.
Comment: Not observed at significant frequency in large population cohorts (gnomAD); In silico analysis supports that this missense variant has a deleterious effect on protein structure/function; Has not been previously published as pathogenic or benign to our knowledge; Variants in candidate genes are classified as variants of uncertain significance in accordance with ACMG guidelines (Richards et al., 2015)

NM_020180.4(CELF4):c.662C>T (p.Ala221Val)

Gene: CELF4 (CUGBP Elav-like family member 4; minus strand). Cytogenetic location: 18q12.2.
Variant type: single nucleotide variant.
Coding change: c.662C>T on transcript NM_020180.4 (MANE Select); coding-DNA position 662, C replaced by T.
Protein change: p.Ala221Val; replaces alanine 221 with valine.
Molecular consequence: missense variant. On other transcripts: non-coding transcript variant (11).
Genome position (GRCh38, 1-based): chr18:37,274,450, G>A on the plus strand (C>T on the coding strand, the complement: CELF4 is on the minus strand). VCF-style: chr18-37274450-G-A. GRCh37 (hg19) VCF-style: chr18-34854413-G-A.
Other names: c.662C>T, p.Ala221Val (NM_001025087.2, NM_001353708.2, NM_001353723.2 and 11 more transcripts); c.659C>T, p.Ala220Val (NM_001025088.2, NM_001330603.2, NM_001353696.2 and 12 more transcripts); c.632C>T, p.Ala211Val (NM_001025089.2, NM_001353699.2, NM_001353700.2 and 12 more transcripts); c.629C>T, p.Ala210Val (NM_001353695.2, NM_001353697.2, NM_001353705.2 and 16 more transcripts); c.290C>T, p.Ala97Val (NM_001353756.2, NM_001353761.2); c.263C>T, p.Ala88Val (NM_001353757.2, NM_001353760.2); c.260C>T, p.Ala87Val (NM_001353758.2, NM_001353759.2); short protein forms A210V, A211V, A220V, A221V, A87V, A88V, A97V.
Identifiers: ClinVar variation 3775008 (VCV003775008.1).
Genomic context (GRCh38, chr18:37,274,450, plus strand): 5'-ATTCGCCGCATCGTGCGCTCCTTGTCGGTGTCGGCGAACTTGACCACCAGACTGGACGAG[G>A]CTCCCTGCGGCCGGGGCGGCGCGTGAGACCCACCTGCTCCAGAGCCTCCGCCCGCAGCTG-3'
Protein context (NP_064565.1, residues 211-231): ALHGSQTMPG[Ala221Val]SSSLVVKFAD